The following is an entry in ClinVar:

NM_022081.6(HPS4):c.39G>A (p.Ser13=)

Gene: HPS4 (HPS4 biogenesis of lysosomal organelles complex 3 subunit 2; minus strand). Cytogenetic location: 22q12.1.
Variant type: single nucleotide variant.
Coding change: c.39G>A on transcript NM_022081.6 (MANE Select); coding-DNA position 39, G replaced by A.
Protein change: p.Ser13=; no amino-acid change (serine 13 retained).
Molecular consequence: synonymous variant. On other transcripts: non-coding transcript variant (7).
Genome position (GRCh38, 1-based): chr22:26,481,724, C>T on the plus strand (G>A on the coding strand, the complement: HPS4 is on the minus strand). VCF-style: chr22-26481724-C-T. GRCh37 (hg19) VCF-style: chr22-26877690-C-T.
Other names: c.39G>A, p.Ser13= (NM_001349896.1, NM_001349898.2, NM_001349899.2 and 6 more transcripts).
Identifiers: ClinVar variation 734298 (VCV000734298.10), dbSNP rs766139027, ClinGen allele CA10163862.

ClinVar aggregate classification (germline): Likely benign. Review status: criteria provided, multiple submitters, no conflicts (2 of 4 stars). 2 submissions from 2 submitters: Likely benign (2). Last evaluated 2026-09-18.

Conditions:
HPS4-related disorder. Also called: HPS4-related condition.

Allele frequency attached by ClinVar (database versions not stated): TOPMed 0.00004; gnomAD 0.00005; ExAC 0.00007; gnomAD exomes 0.00008 and 0.00011; 1000 Genomes Project 30x 0.00031.
gnomAD v4.1: 170 of 1,614,116 alleles (0.011%); highest among the groups gnomAD compares: Middle Eastern, 0.016%; no homozygotes.

Submissions (2):

PreventionGenetics, part of Exact Sciences
Classification: Likely benign for HPS4-related condition. Last evaluated: 2026-09-18. Review status: criteria provided, single submitter. Criteria: ACMG Guidelines, 2015. Collection method: clinical testing. Allele origin: germline.
Comment: This variant is classified as likely benign based on ACMG/AMP sequence variant interpretation guidelines (Richards et al. 2015 PMID: 25741868, with internal and published modifications).

Labcorp Genetics (formerly Invitae), Labcorp
Classification: Likely benign. Last evaluated: 2026-01-27. Review status: criteria provided, single submitter. Criteria: Invitae Variant Classification Sherloc (09022015). Collection method: clinical testing. Allele origin: germline.